The following is an entry in ClinVar:

NM_001130144.3(LTBP3):c.283G>A (p.Glu95Lys)

Gene: LTBP3 (latent transforming growth factor beta binding protein 3; minus strand). Cytogenetic location: 11q13.1.
Variant type: single nucleotide variant.
Coding change: c.283G>A on transcript NM_001130144.3 (MANE Select); coding-DNA position 283, G replaced by A.
Protein change: p.Glu95Lys; replaces glutamic acid 95 with lysine.
Molecular consequence: missense variant. On other transcripts: 5 prime UTR variant (1).
Genome position (GRCh38, 1-based): chr11:65,557,677, C>T on the plus strand (G>A on the coding strand, the complement: LTBP3 is on the minus strand). VCF-style: chr11-65557677-C-T. GRCh37 (hg19) VCF-style: chr11-65325148-C-T.
Other names: c.-65G>A (NM_001164266.1); c.283G>A, p.Glu95Lys (NM_021070.4); short protein forms E95K.
Identifiers: ClinVar variation 4623999 (VCV004623999.1).

ClinVar aggregate classification (germline): Uncertain significance (1 of 4 stars; one submission).

Conditions:
Inborn genetic diseases. Identifiers: MedGen C0950123, MeSH D030342.

Submission:

Ambry Genetics
Classification: Uncertain significance for Inborn genetic diseases. Last evaluated: 2025-11-02. Review status: criteria provided, single submitter. Criteria: Ambry Variant Classification Scheme 2023. Collection method: clinical testing. Allele origin: germline.
Comment: The p.E95K variant (also known as c.283G>A), located in coding exon 1 of the LTBP3 gene, results from a G to A substitution at nucleotide position 283. The glutamic acid at codon 95 is replaced by lysine, an amino acid with similar properties. This amino acid position is conserved. In addition, the in silico prediction for this alteration is inconclusive. Based on the available evidence, the clinical significance of this variant remains unclear.